The following is an entry in ClinVar:

ClinVar aggregate classification (germline): Uncertain significance (1 of 4 stars; one submission).

Submission:

GeneDx
Classification: Uncertain significance. Last evaluated: 2025-02-24. Review status: criteria provided, single submitter. Criteria: GeneDx Variant Classification Process June 2021. Collection method: clinical testing. Allele origin: germline. Affected: yes.
Comment: Not observed at significant frequency in large population cohorts (gnomAD); In silico analysis indicates that this missense variant does not alter protein structure/function; Has not been previously published as pathogenic or benign to our knowledge

NM_015021.3(ZNF292):c.3788T>A (p.Leu1263His)

Gene: ZNF292 (zinc finger protein 292; plus strand). Cytogenetic location: 6q14.3.
Variant type: single nucleotide variant.
Coding change: c.3788T>A on transcript NM_015021.3 (MANE Select); coding-DNA position 3788, T replaced by A.
Protein change: p.Leu1263His; replaces leucine 1263 with histidine.
Molecular consequence: missense variant.
Genome position (GRCh38, 1-based): chr6:87,257,417, T>A. VCF-style: chr6-87257417-T-A. GRCh37 (hg19) VCF-style: chr6-87967135-T-A.
Other names: c.3368T>A, p.Leu1123His (NM_001351444.2); short protein forms L1123H, L1263H.
Identifiers: ClinVar variation 4076531 (VCV004076531.1).
Genomic context (GRCh38, chr6:87,257,417, plus strand): 5'-TGGAAGATCTAACCAAAACAGTTCTGCCTTTGAATATTGACAGTGGCTCAGATCCTTTCC[T>A]TCCTTTACCTGCAGAAAGTAGTTCAATGTCTCTCTTCCCTTCACCAGCAGATAGTGGGAC-3'
Protein context (NP_055836.1, residues 1253-1273): LNIDSGSDPF[Leu1263His]PLPAESSSMS